The following is an entry in ClinVar:

NM_018263.6(ASXL2):c.3046A>T (p.Thr1016Ser)

Gene: ASXL2 (ASXL transcriptional regulator 2; minus strand). Cytogenetic location: 2p23.3.
Variant type: single nucleotide variant.
Coding change: c.3046A>T on transcript NM_018263.6 (MANE Select); coding-DNA position 3046, A replaced by T.
Protein change: p.Thr1016Ser; replaces threonine 1016 with serine.
Molecular consequence: missense variant.
Genome position (GRCh38, 1-based): chr2:25,743,291, T>A on the plus strand (A>T on the coding strand, the complement: ASXL2 is on the minus strand). VCF-style: chr2-25743291-T-A. GRCh37 (hg19) VCF-style: chr2-25966160-T-A.
Other names: c.2872A>T, p.Thr958Ser (NM_001369346.1); c.2266A>T, p.Thr756Ser (NM_001369347.1); short protein forms T958S, T756S, T1016S.
Identifiers: ClinVar variation 2005374 (VCV002005374.4), dbSNP rs570823397, ClinGen allele CA346079746.
Genomic context (GRCh38, chr2:25,743,291, plus strand): 5'-GGGGCCTTGGAACCTGGGGGAGCTGCTTACTTTGCAAGGTTTTGCCCAGCTGCTGCTGCG[T>A]AGCTGGATGGGACTGTCTCTCATTAACTTCCTCTCTGGTGCTATTTTCTGTTGTGTTGGT-3'
Protein context (NP_060733.4, residues 1006-1026): EVNERQSHPA[Thr1016Ser]QQQLGKTLQS

ClinVar aggregate classification (germline): Uncertain significance (1 of 4 stars; one submission).

Submission:

Labcorp Genetics (formerly Invitae), Labcorp
Classification: Uncertain significance. Last evaluated: 2022-06-15. Review status: criteria provided, single submitter. Criteria: Invitae Variant Classification Sherloc (09022015). Collection method: clinical testing. Allele origin: germline.
Comment: This sequence change replaces threonine, which is neutral and polar, with serine, which is neutral and polar, at codon 1016 of the ASXL2 protein (p.Thr1016Ser). In summary, the available evidence is currently insufficient to determine the role of this variant in disease. Therefore, it has been classified as a Variant of Uncertain Significance. Algorithms developed to predict the effect of missense changes on protein structure and function are either unavailable or do not agree on the potential impact of this missense change (SIFT: "Tolerated"; PolyPhen-2: "Not Available"; Align-GVGD: "Class C0"). This variant has not been reported in the literature in individuals affected with ASXL2-related conditions. This variant is not present in population databases (gnomAD no frequency).